The following is an entry in ClinVar:

ClinVar aggregate classification (germline): Uncertain significance. Review status: criteria provided, multiple submitters, no conflicts (2 of 4 stars). 2 submissions from 2 submitters: Uncertain significance (2). Last evaluated 2025-09-16.

Conditions:
Hereditary cancer-predisposing syndrome. Also called: Hereditary Cancer Syndrome; Neoplastic Syndromes, Hereditary; Tumor predisposition; Hereditary neoplastic syndrome. Identifiers: Orphanet 140162, MedGen C0027672, MeSH D009386, MONDO:0015356.
Cardiovascular phenotype. Identifiers: MedGen CN230736.
Juvenile myelomonocytic leukemia (JMML). Also called: LEUKEMIA, JUVENILE MYELOMONOCYTIC, SOMATIC. Identifiers: Orphanet 86834, MedGen C0349639, MONDO:0011908, OMIM 607785, HP:0012209.

Submissions (2):

Ambry Genetics
Classification: Uncertain significance for Cardiovascular phenotype; Hereditary cancer-predisposing syndrome. Last evaluated: 2025-09-16. Review status: criteria provided, single submitter. Criteria: Ambry Variant Classification Scheme 2023. Collection method: clinical testing. Allele origin: germline.
Comment: The p.T1175I variant (also known as c.3524C>T), located in coding exon 27 of the NF1 gene, results from a C to T substitution at nucleotide position 3524. The threonine at codon 1175 is replaced by isoleucine, an amino acid with similar properties. This amino acid position is highly conserved in available vertebrate species. In addition, this alteration is predicted to be deleterious by in silico analysis. Based on the available evidence, the clinical significance of this variant remains unclear.

Baylor Genetics
Classification: Uncertain significance for Juvenile myelomonocytic leukemia. Last evaluated: 2023-07-21. Review status: criteria provided, single submitter. Criteria: ACMG Guidelines, 2015. Collection method: clinical testing. Allele origin: unknown.

NM_001042492.3(NF1):c.3524C>T (p.Thr1175Ile)

Gene: NF1 (neurofibromin 1; plus strand). Cytogenetic location: 17q11.2.
Variant type: single nucleotide variant.
Coding change: c.3524C>T on transcript NM_001042492.3 (MANE Select); coding-DNA position 3524, C replaced by T.
Protein change: p.Thr1175Ile; replaces threonine 1175 with isoleucine.
Molecular consequence: missense variant.
Genome position (GRCh38, 1-based): chr17:31,233,029, C>T. VCF-style: chr17-31233029-C-T. GRCh37 (hg19) VCF-style: chr17-29560047-C-T.
Other names: c.3524C>T, p.Thr1175Ile (NM_000267.4); short protein forms T1175I.
Identifiers: ClinVar variation 480226 (VCV000480226.7), dbSNP rs1555615024, ClinGen allele CA398989793.